The following is an entry in ClinVar:

ClinVar aggregate classification (germline): Uncertain significance (1 of 4 stars; one submission).

Conditions:
Inborn genetic diseases. Identifiers: MedGen C0950123, MeSH D030342.

Submission:

Ambry Genetics
Classification: Uncertain significance for Inborn genetic diseases. Last evaluated: 2022-07-30. Review status: criteria provided, single submitter. Criteria: Ambry Variant Classification Scheme 2023. Collection method: clinical testing. Allele origin: germline.
Comment: The p.V748L variant (also known as c.2242G>T) is located in coding exon 19 of the LRRK2 gene. The valine at codon 748 is replaced by leucine, an amino acid with highly similar properties. This change occurs in the first base pair of coding exon 19. This amino acid position is conserved. In addition, the in silico prediction for this alteration is inconclusive. Since supporting evidence is limited at this time, the clinical significance of this alteration remains unclear.

NM_198578.4(LRRK2):c.2242G>T (p.Val748Leu)

Gene: LRRK2 (leucine rich repeat kinase 2; plus strand). Cytogenetic location: 12q12.
Variant type: single nucleotide variant.
Coding change: c.2242G>T on transcript NM_198578.4 (MANE Select); coding-DNA position 2242, G replaced by T.
Protein change: p.Val748Leu; replaces valine 748 with leucine.
Molecular consequence: missense variant.
Genome position (GRCh38, 1-based): chr12:40,283,875, G>T. VCF-style: chr12-40283875-G-T. GRCh37 (hg19) VCF-style: chr12-40677677-G-T.
Other names: short protein forms V748L.
Identifiers: ClinVar variation 1788301 (VCV001788301.2), dbSNP rs1174899964, ClinGen allele CA384406297.